The following is an entry in ClinVar:

ClinVar aggregate classification (germline): Pathogenic/Likely pathogenic. Review status: criteria provided, multiple submitters, no conflicts (2 of 4 stars). 2 submissions from 2 submitters: Pathogenic (1); Likely pathogenic (1). Last evaluated 2024-06-12.

Conditions:
Congenital myotonia, autosomal recessive form. Also called: Becker Generalized Myotonia; myotonia congenita, autosomal recessive; BECKER DISEASE. Identifiers: Orphanet 614, MedGen C0751360, MONDO:0009715, OMIM 255700.
Congenital myotonia, autosomal dominant form (THD). Also called: THOMSEN DISEASE; Myotonia congenita autosomal dominant. Identifiers: Orphanet 614, MedGen C2936781, MONDO:0008055, OMIM 160800.

Submissions (2):

Labcorp Genetics (formerly Invitae), Labcorp
Classification: Pathogenic for Congenital myotonia, autosomal recessive form; Congenital myotonia, autosomal dominant form. Last evaluated: 2024-06-12. Review status: criteria provided, single submitter. Criteria: Invitae Variant Classification Sherloc (09022015). Collection method: clinical testing. Allele origin: germline.
Comment: This sequence change creates a premature translational stop signal (p.Ala673Serfs*40) in the CLCN1 gene. It is expected to result in an absent or disrupted protein product. Loss-of-function variants in CLCN1 are known to be pathogenic (PMID: 17932099, 22094069, 23739125). This variant is not present in population databases (gnomAD no frequency). This premature translational stop signal has been observed in individual(s) with autosomal recessive myotonia congenita (Invitae). ClinVar contains an entry for this variant (Variation ID: 817723). For these reasons, this variant has been classified as Pathogenic.

GeneDx
Classification: Likely pathogenic. Last evaluated: 2018-07-10. Review status: criteria provided, single submitter. Criteria: GeneDx Variant Classification (06012015). Collection method: clinical testing. Allele origin: germline. Affected: yes.
Comment: The c.2017_2018delGC variant is not observed in large population cohorts (Lek et al., 2016). The c.2017_2018delGC variant causes a frameshift starting with codon Alanine 673, changes this amino acid to a Serine residue, and creates a premature Stop codon at position 40 of the new reading frame, denoted p.Ala673SerfsX40. This variant is predicted to cause loss of normal protein function either through protein truncation or nonsense-mediated mRNA decay. Although the c.2017_2018delGC variant has not been reported previously to our knowledge, other loss-of-function variants in the CLCN1 gene have been reported in the Human Gene Mutation Database in association with CLCN1-related disorders (Stenson et al., 2014).

Literature cited by the submitters: PubMed 17932099 (cited by Labcorp Genetics (formerly Invitae), Labcorp); PubMed 22094069 (cited by Labcorp Genetics (formerly Invitae), Labcorp); PubMed 23739125 (cited by Labcorp Genetics (formerly Invitae), Labcorp).

NM_000083.3(CLCN1):c.2017_2018del (p.Ala673fs)

Genes: CLCN1 (chloride voltage-gated channel 1; plus strand), LOC123956257 (Sharpr-MPRA regulatory region 4117; plus strand). Cytogenetic location: 7q34.
Variant type: Microsatellite.
Coding change: c.2017_2018del on transcript NM_000083.3 (MANE Select); coding-DNA positions 2017 to 2018, 2 bases deleted (GC; older notation c.2017_2018delGC).
Protein change: p.Ala673fs; shifts the reading frame from alanine 673.
Molecular consequence: frameshift variant. On other transcripts: non-coding transcript variant (1).
Genome position (GRCh38, 1-based): chr7:143,345,607-143,345,608, GC deleted; deleting any 2 consecutive bases within chr7:143,345,603-143,345,608 gives the same sequence; the c. name uses the placement nearest the transcript's 3' end. VCF-style (leftmost placement, unchanged base first): chr7-143345602-TGC-T. GRCh37 (hg19) VCF-style: chr7-143042695-TGC-T.
Other names: c.2017_2018del (NM_000083.2); short protein forms A673fs.
Identifiers: ClinVar variation 817723 (VCV000817723.9), dbSNP rs1586515112, ClinGen allele CA915945539.
Genomic context (GRCh38, chr7:143,345,602, plus strand): 5'-CGGTGGAGCGGTCGGAACTGCAGGCCCTCCTGCAGCGCCACCTGTGTCCTGAGCGCAGGC[TGC>T]GCGCAGCCCAAGAGATGGCGCGGAAGTTGTCGGAGCTGCCTTACGACGGGAAGGCGCGGC-3'